The following is an entry in ClinVar:

ClinVar aggregate classification (germline): Uncertain significance. Review status: criteria provided, multiple submitters, no conflicts (2 of 4 stars). 2 submissions from 2 submitters: Uncertain significance (2). Last evaluated 2024-01-03.

Conditions:
Medulloblastoma (MDB). Also called: MEDULLOBLASTOMA PREDISPOSITION SYNDROME; Medulloblastoma, somatic. Identifiers: Orphanet 616, MedGen C0025149, MeSH D008527, MONDO:0007959, OMIM 155255, HP:0002885.
Basal cell carcinoma, susceptibility to, 1. Also called: BCC1. Identifiers: MedGen C2751544, MONDO:0011556, OMIM 605462.
Gorlin syndrome. Also called: Nevoid Basal Cell Carcinoma Syndrome; Basal cell nevus syndrome. Identifiers: Orphanet 377, MedGen C0004779, MONDO:0007187.

Submissions (2):

Fulgent Genetics
Classification: Uncertain significance for Medulloblastoma; Basal cell carcinoma, susceptibility to, 1. Last evaluated: 2024-01-03. Review status: criteria provided, single submitter. Criteria: ACMG Guidelines, 2015. Collection method: clinical testing. Allele origin: germline.

Labcorp Genetics (formerly Invitae), Labcorp
Classification: Uncertain significance for Gorlin syndrome. Last evaluated: 2023-02-16. Review status: criteria provided, single submitter. Criteria: Invitae Variant Classification Sherloc (09022015). Collection method: clinical testing. Allele origin: germline.
Comment: This sequence change creates a premature translational stop signal (p.Leu189Serfs*50) in the PTCH2 gene. It is expected to result in an absent or disrupted protein product. However, the current clinical and genetic evidence is not sufficient to establish whether loss-of-function variants in PTCH2 cause disease. The frequency data for this variant in the population databases is considered unreliable, as metrics indicate poor data quality at this position in the gnomAD database. This variant has not been reported in the literature in individuals affected with PTCH2-related conditions. In summary, the available evidence is currently insufficient to determine the role of this variant in disease. Therefore, it has been classified as a Variant of Uncertain Significance.

NM_003738.5(PTCH2):c.565del (p.Leu189fs)

Gene: PTCH2 (patched 2; minus strand). Cytogenetic location: 1p34.1.
Variant type: Deletion.
Coding change: c.565del on transcript NM_003738.5 (MANE Select); coding-DNA position 565, one base deleted (C; older notation c.565delC).
Protein change: p.Leu189fs; shifts the reading frame from leucine 189.
Molecular consequence: frameshift variant.
Genome position (GRCh38, 1-based): chr1:44,831,758, G deleted on the plus strand (C on the coding strand, the reverse complement: PTCH2 is on the minus strand); the first of 6 consecutive G bases (chr1:44,831,758-44,831,763); deleting any one gives the same sequence. VCF-style (leftmost placement, unchanged base first): chr1-44831757-AG-A. GRCh37 (hg19) VCF-style: chr1-45297429-AG-A.
Other names: c.565del, p.Leu189fs (NM_001166292.2); short protein forms L189fs.
Identifiers: ClinVar variation 2767387 (VCV002767387.4), dbSNP rs1471334921, ClinGen allele CA522809773.